The following is an entry in ClinVar:

NM_000321.3(RB1):c.1960+5G>A

Gene: RB1 (RB transcriptional corepressor 1; plus strand). Cytogenetic location: 13q14.2.
Variant type: single nucleotide variant.
Coding change: c.1960+5G>A on transcript NM_000321.3 (MANE Select); 5 bases into the intron after coding-DNA position 1960, G replaced by A.
Molecular consequence: intron variant.
Genome position (GRCh38, 1-based): chr13:48,456,354, G>A. VCF-style: chr13-48456354-G-A. GRCh37 (hg19) VCF-style: chr13-49030490-G-A.
Other names: L11910:g.153358G>A.
Identifiers: ClinVar variation 126791 (VCV000126791.5), dbSNP rs587778871, ClinGen allele CA026412.

ClinVar aggregate classification (germline): Likely pathogenic. Review status: criteria provided, multiple submitters, no conflicts (2 of 4 stars). 3 submissions from 3 submitters: Likely pathogenic (2). 1 of the submissions does not count toward it. Last evaluated 2026-03-24.

Conditions:
Hereditary cancer-predisposing syndrome. Also called: Neoplastic Syndromes, Hereditary; Tumor predisposition; Hereditary neoplastic syndrome; Hereditary Cancer Syndrome. Identifiers: Orphanet 140162, MedGen C0027672, MeSH D009386, MONDO:0015356.
Retinoblastoma (RB1). Also called: RETINOBLASTOMA, SOMATIC. Identifiers: Orphanet 790, MedGen C0035335, MeSH D012175, MONDO:0008380, OMIM 180200, HP:0009919. Disease mechanism: loss of function. Inheritance: Both sporadic and heritable forms are tested..

Allele frequency attached by ClinVar (database versions not stated): gnomAD exomes below 0.00001.
gnomAD v4.1: 2 of 1,613,940 alleles (0.00012%); highest among the groups gnomAD compares: Non-Finnish European, 0.00017%; no homozygotes.

Submissions (3):

Ambry Genetics
Classification: Likely pathogenic for Hereditary cancer-predisposing syndrome. Last evaluated: 2026-03-24. Review status: criteria provided, single submitter. Criteria: Ambry Variant Classification Scheme 2023. Collection method: clinical testing. Allele origin: germline.
Comment: The c.1960+5G>A intronic variant results from a G to A substitution 5 nucleotides after coding exon 19 in the RB1 gene. In silico splice site analysis predicts that this alteration may weaken the native splice donor site; however, direct evidence is insufficient at this time (Ambry internal data). This variant was reported in individual(s) with features consistent with retinoblastoma (Richter S et al. Am J Hum Genet, 2003 Feb;72:253-69). Other variant(s) impacting the same donor site (c.1960+5G>C, c.1960G>C) have been identified in individual(s) with features consistent with retinoblastoma (Alonso J et al. Hum. Mutat. 2005 Jan;25(1):99; Li T et al. Int J Clin Exp Pathol 2016;9(2):2120-2126; Tsai T, Arch. Ophthalmol. 2004 Feb; 122(2):239-48; Ambry internal data). This variant is considered to be rare based on population cohorts in the Genome Aggregation Database (gnomAD). Based on the majority of available evidence to date, this variant is likely to be pathogenic.

GeneDx
Classification: Likely pathogenic. Last evaluated: 2022-07-08. Review status: criteria provided, single submitter. Criteria: GeneDx Variant Classification Process June 2021. Collection method: clinical testing. Allele origin: germline. Affected: yes.
Comment: Intronic +5 splice site variant in a gene for which loss of function is a known mechanism of disease, and splice predictors support a deleterious effect; Not observed at significant frequency in large population cohorts (gnomAD); Reported previously, as 2098+5G>A using alternate nomenclature, in at least one individual with retinoblastoma (Richter 2003); This variant is associated with the following publications: (PMID: 12541220, 25525159, 31129100)

Genetic Diagnostic Laboratory, University of Pennsylvania School of Medicine
Classification: Pathogenic for Retinoblastoma. Last evaluated: 2013-09-16. Review status: no assertion criteria provided. Collection method: clinical testing. Allele origin: somatic. Affected: yes. Not counted in ClinVar's aggregate classification.

Literature cited by the submitters: PubMed 12541220 (cited by Ambry Genetics).